The following is an entry in ClinVar:

ClinVar aggregate classification (germline): Likely pathogenic (1 of 4 stars; one submission).

Submission:

Labcorp Genetics (formerly Invitae), Labcorp
Classification: Likely pathogenic. Last evaluated: 2023-04-30. Review status: criteria provided, single submitter. Criteria: Invitae Variant Classification Sherloc (09022015). Collection method: clinical testing. Allele origin: unknown.
Comment: In summary, the currently available evidence indicates that the variant is pathogenic, but additional data are needed to prove that conclusively. Therefore, this variant has been classified as Likely Pathogenic. This variant has not been reported in the literature in individuals affected with HPS3-related conditions. This variant results in a copy number gain of the genomic region encompassing exon(s) 2-8 of the HPS3 gene. While the exact position of this variant cannot be determined from the data, sub-genic copy number gains are generally in tandem (PMID: 25640679). This variant is predicted to be out-of-frame, and may result in an absent or disrupted protein product. Loss-of-function variants in HPS3 are known to be pathogenic (PMID: 11590544).

Literature cited by the submitters: PubMed 25640679; PubMed 11590544.

NC_000003.11:g.(?_148857771)_(148873022_?)dup

Gene: HPS3 (HPS3 biogenesis of lysosomal organelles complex 2 subunit 1; plus strand). Cytogenetic location: 3q24.
Variant type: Duplication.
Identifiers: ClinVar variation 3247048 (VCV003247048.1).